The following is an entry in ClinVar:

ClinVar aggregate classification (germline): Likely benign. Review status: criteria provided, multiple submitters, no conflicts (2 of 4 stars). 2 submissions from 2 submitters: Likely benign (2). Last evaluated 2025-08-17.

Conditions:
Hereditary diffuse gastric adenocarcinoma (HDGC). Also called: DIFFUSE GASTRIC AND LOBULAR BREAST CANCER SYNDROME. Identifiers: Orphanet 26106, MedGen C1708349, MONDO:0007648, OMIM 137215.

Submissions (2):

Labcorp Genetics (formerly Invitae), Labcorp
Classification: Likely benign for Hereditary diffuse gastric adenocarcinoma. Last evaluated: 2025-08-17. Review status: criteria provided, single submitter. Criteria: Invitae Variant Classification Sherloc (09022015). Collection method: clinical testing. Allele origin: germline.

Myriad Genetics, Inc.
Classification: Likely benign for Hereditary diffuse gastric adenocarcinoma. Last evaluated: 2024-09-17. Review status: criteria provided, single submitter. Criteria: Myriad Autosomal Dominant, Autosomal Recessive and X-Linked Classification Criteria (2023). Collection method: clinical testing. Allele origin: unknown.
Comment: This variant is considered likely benign. This variant is intronic and is not expected to impact mRNA splicing.

NM_004360.5(CDH1):c.1008+8G>C

Gene: CDH1 (cadherin 1; plus strand). Cytogenetic location: 16q22.1.
Variant type: single nucleotide variant.
Coding change: c.1008+8G>C on transcript NM_004360.5 (MANE Select); 8 bases into the intron after coding-DNA position 1008, G replaced by C.
Molecular consequence: intron variant.
Genome position (GRCh38, 1-based): chr16:68,811,867, G>C. VCF-style: chr16-68811867-G-C. GRCh37 (hg19) VCF-style: chr16-68845770-G-C.
Other names: c.-608+8G>C (NM_001317185.2); c.-812+8G>C (NM_001317186.2); c.1008+8G>C (NM_001317184.2).
Identifiers: ClinVar variation 2045105 (VCV002045105.5), dbSNP rs990193541, ClinGen allele CA2229969211.